The following is an entry in ClinVar:

NM_198999.3(SLC26A5):c.1219G>A (p.Gly407Ser)

Gene: SLC26A5 (solute carrier family 26 member 5; minus strand). Cytogenetic location: 7q22.1.
Variant type: single nucleotide variant.
Coding change: c.1219G>A on transcript NM_198999.3 (MANE Select); coding-DNA position 1219, G replaced by A.
Protein change: p.Gly407Ser; replaces glycine 407 with serine.
Molecular consequence: missense variant. On other transcripts: non-coding transcript variant (5), intron variant (1).
Genome position (GRCh38, 1-based): chr7:103,391,636, C>T on the plus strand (G>A on the coding strand, the complement: SLC26A5 is on the minus strand). VCF-style: chr7-103391636-C-T. GRCh37 (hg19) VCF-style: chr7-103032083-C-T.
Other names: c.1219G>A, p.Gly407Ser (NM_001167962.2, NM_001321787.2, NM_206883.3 and 1 more transcripts); c.971+6296G>A (NM_206885.3); short protein forms G407S.
Identifiers: ClinVar variation 1986203 (VCV001986203.4), dbSNP rs372387853, ClinGen allele CA4419576.

ClinVar aggregate classification (germline): Uncertain significance (1 of 4 stars; one submission).

Allele frequency attached by ClinVar (database versions not stated): TOPMed 0.00001; gnomAD 0.00002; gnomAD exomes 0.00002; ExAC 0.00004; ESP Exome Variant Server 0.00008.
gnomAD v4.1: 35 of 1,613,832 alleles (0.0022%); highest among the groups gnomAD compares: Non-Finnish European, 0.0026%; no homozygotes.

Submission:

Labcorp Genetics (formerly Invitae), Labcorp
Classification: Uncertain significance. Last evaluated: 2025-03-31. Review status: criteria provided, single submitter. Criteria: Invitae Variant Classification Sherloc (09022015). Collection method: clinical testing. Allele origin: germline.
Comment: This sequence change replaces glycine, which is neutral and non-polar, with serine, which is neutral and polar, at codon 407 of the SLC26A5 protein (p.Gly407Ser). This variant is present in population databases (rs372387853, gnomAD 0.003%). This variant has not been reported in the literature in individuals affected with SLC26A5-related conditions. ClinVar contains an entry for this variant (Variation ID: 1986203). Invitae Evidence Modeling of protein sequence and biophysical properties (such as structural, functional, and spatial information, amino acid conservation, physicochemical variation, residue mobility, and thermodynamic stability) indicates that this missense variant is expected to disrupt SLC26A5 protein function with a positive predictive value of 80%. In summary, the available evidence is currently insufficient to determine the role of this variant in disease. Therefore, it has been classified as a Variant of Uncertain Significance.